The following is an entry in ClinVar:

NM_004360.5(CDH1):c.207T>C (p.Phe69=)

Gene: CDH1 (cadherin 1; plus strand). Cytogenetic location: 16q22.1.
Variant type: single nucleotide variant.
Coding change: c.207T>C on transcript NM_004360.5 (MANE Select); coding-DNA position 207, T replaced by C.
Protein change: p.Phe69=; no amino-acid change (phenylalanine 69 retained).
Molecular consequence: synonymous variant. On other transcripts: 5 prime UTR variant (2).
Genome position (GRCh38, 1-based): chr16:68,801,713, T>C. VCF-style: chr16-68801713-T-C. GRCh37 (hg19) VCF-style: chr16-68835616-T-C.
Other names: c.207T>C, p.Phe69= (NM_001317184.2); c.-1409T>C (NM_001317185.2); c.-1613T>C (NM_001317186.2).
Identifiers: ClinVar variation 3378671 (VCV003378671.1).
Genomic context (GRCh38, chr16:68,801,713, plus strand): 5'-TGATTTCTGCCCTGCAGTGAATTTTGAAGATTGCACCGGTCGACAAAGGACAGCCTATTT[T>C]TCCCTCGACACCCGATTCAAAGTGGGCACAGATGGTGTGATTACAGTCAAAAGGCCTCTA-3'
Protein context (NP_004351.1, residues 59-79): DCTGRQRTAY[Phe69=]SLDTRFKVGT

ClinVar aggregate classification (germline): Benign (1 of 4 stars; one submission).

Conditions:
Hereditary diffuse gastric adenocarcinoma (HDGC). Also called: DIFFUSE GASTRIC AND LOBULAR BREAST CANCER SYNDROME. Identifiers: Orphanet 26106, MedGen C1708349, MONDO:0007648, OMIM 137215.

gnomAD v4.1: 1 of 1,614,108 alleles (0.000062%); highest among the groups gnomAD compares: Non-Finnish European, 0.000085%; no homozygotes.

Submission:

Myriad Genetics, Inc.
Classification: Benign for Hereditary diffuse gastric adenocarcinoma. Last evaluated: 2024-09-12. Review status: criteria provided, single submitter. Criteria: Myriad Autosomal Dominant, Autosomal Recessive and X-Linked Classification Criteria (2023). Collection method: clinical testing. Allele origin: unknown.
Comment: This variant is considered benign. This variant is a silent/synonymous amino acid change and it is not expected to impact splicing.